The following is an entry in ClinVar:

ClinVar aggregate classification (germline): Uncertain significance (1 of 4 stars; one submission).

Conditions:
Muscular dystrophy-dystroglycanopathy (congenital with brain and eye anomalies), type A2. Also called: MUSCULAR DYSTROPHY-DYSTROGLYCANOPATHY (CONGENITAL WITH BRAIN AND EYE ANOMALIES), TYPE A, 2; WALKER-WARBURG SYNDROME OR MUSCLE-EYE-BRAIN DISEASE, POMT2-RELATED. Identifiers: Orphanet 588, Orphanet 899, MedGen C3150411, MONDO:0013154, OMIM 613150.
Muscular dystrophy-dystroglycanopathy (congenital with impaired intellectual development), type B, 2. Also called: MUSCULAR DYSTROPHY, CONGENITAL, POMT2-RELATED; Muscular dystrophy-dystroglycanopathy (congenital with intellectual disability), type B2. Identifiers: MedGen C3150416, MONDO:0013160, OMIM 613156.
Autosomal recessive limb-girdle muscular dystrophy type 2N. Also called: Muscular dystrophy-dystroglycanopathy (limb-girdle), type C, 2; MUSCULAR DYSTROPHY-DYSTROGLYCANOPATHY, LIMB-GIRDLE, POMT2-RELATED. Identifiers: Orphanet 206559, MedGen C3150418, MONDO:0013162, OMIM 613158.

Allele frequency attached by ClinVar (database versions not stated): TOPMed below 0.00001; ExAC 0.00001; gnomAD 0.00001; gnomAD exomes 0.00001.
gnomAD v4.1: 12 of 1,613,850 alleles (0.00074%); highest among the groups gnomAD compares: Middle Eastern, 0.016%; no homozygotes.

Submission:

Labcorp Genetics (formerly Invitae), Labcorp
Classification: Uncertain significance for Muscular dystrophy-dystroglycanopathy (congenital with impaired intellectual development), type B, 2; Muscular dystrophy-dystroglycanopathy (congenital with brain and eye anomalies), type A2; Autosomal recessive limb-girdle muscular dystrophy type 2N. Last evaluated: 2023-09-05. Review status: criteria provided, single submitter. Criteria: Invitae Variant Classification Sherloc (09022015). Collection method: clinical testing. Allele origin: germline.
Comment: ClinVar contains an entry for this variant (Variation ID: 1008462). This variant has not been reported in the literature in individuals affected with POMT2-related conditions. This variant is present in population databases (rs200079313, gnomAD 0.007%). This sequence change replaces leucine, which is neutral and non-polar, with phenylalanine, which is neutral and non-polar, at codon 671 of the POMT2 protein (p.Leu671Phe). Advanced modeling of protein sequence and biophysical properties (such as structural, functional, and spatial information, amino acid conservation, physicochemical variation, residue mobility, and thermodynamic stability) performed at Invitae indicates that this missense variant is not expected to disrupt POMT2 protein function. In summary, the available evidence is currently insufficient to determine the role of this variant in disease. Therefore, it has been classified as a Variant of Uncertain Significance.

NM_013382.7(POMT2):c.2011C>T (p.Leu671Phe)

Gene: POMT2 (protein O-mannosyltransferase 2; minus strand). Cytogenetic location: 14q24.3.
Variant type: single nucleotide variant.
Coding change: c.2011C>T on transcript NM_013382.7 (MANE Select); coding-DNA position 2011, C replaced by T.
Protein change: p.Leu671Phe; replaces leucine 671 with phenylalanine.
Molecular consequence: missense variant.
Genome position (GRCh38, 1-based): chr14:77,278,750, G>A on the plus strand (C>T on the coding strand, the complement: POMT2 is on the minus strand). VCF-style: chr14-77278750-G-A. GRCh37 (hg19) VCF-style: chr14-77745093-G-A.
Other names: short protein forms L671F.
Identifiers: ClinVar variation 1008462 (VCV001008462.7), dbSNP rs200079313, ClinGen allele CA7285573.